The following is an entry in ClinVar:

NM_004304.5(ALK):c.952+1G>A

Gene: ALK (ALK receptor tyrosine kinase; minus strand). Cytogenetic location: 2p23.2.
Variant type: single nucleotide variant.
Coding change: c.952+1G>A on transcript NM_004304.5 (MANE Select); the canonical splice donor site of the intron after coding-DNA position 952, G replaced by A.
Molecular consequence: splice donor variant.
Genome position (GRCh38, 1-based): chr2:29,694,849, C>T on the plus strand (G>A on the coding strand, the complement: ALK is on the minus strand). VCF-style: chr2-29694849-C-T. GRCh37 (hg19) VCF-style: chr2-29917715-C-T.
Identifiers: ClinVar variation 997488 (VCV000997488.9), dbSNP rs1678504706, ClinGen allele CA346586804.

ClinVar aggregate classification (germline): Uncertain significance. Review status: criteria provided, multiple submitters, no conflicts (2 of 4 stars). 4 submissions from 4 submitters: Uncertain significance (4). Last evaluated 2026-02-17.

Conditions:
Hereditary cancer-predisposing syndrome. Also called: Tumor predisposition; Hereditary neoplastic syndrome; Hereditary Cancer Syndrome; Neoplastic Syndromes, Hereditary. Identifiers: Orphanet 140162, MedGen C0027672, MeSH D009386, MONDO:0015356.
Neuroblastoma, susceptibility to, 3. Also called: ALK-Related Neuroblastic Tumor Susceptibility. Identifiers: Orphanet 635, MedGen C2751681, MONDO:0013083, OMIM 613014.

Allele frequency attached by ClinVar (database versions not stated): gnomAD exomes below 0.00001; TOPMed 0.00001.
gnomAD v4.1: 1 of 1,613,772 alleles (0.000062%); highest among the groups gnomAD compares: Non-Finnish European, 0.000085%; no homozygotes.

Submissions (4):

Ambry Genetics
Classification: Uncertain significance for Hereditary cancer-predisposing syndrome. Last evaluated: 2026-02-17. Review status: criteria provided, single submitter. Criteria: Ambry Variant Classification Scheme 2023. Collection method: clinical testing. Allele origin: germline.
Comment: The c.952+1G>A intronic variant results from a G to A substitution one nucleotide after coding exon 3 of the ALK gene. This nucleotide position is highly conserved in available vertebrate species. In silico splice site analysis predicts that this alteration will weaken the native splice donor site. Variants that disrupt the canonical splice site are expected to cause aberrant splicing, resulting in an abnormal protein or a transcript that is subject to nonsense-mediated mRNA decay. However, loss of function has not been established as a mechanism of disease. Based on the available evidence, the clinical significance of this variant remains unclear.

GeneDx
Classification: Uncertain significance. Last evaluated: 2023-04-26. Review status: criteria provided, single submitter. Criteria: GeneDx Variant Classification Process June 2021. Collection method: clinical testing. Allele origin: germline. Affected: yes.
Comment: Not observed at significant frequency in large population cohorts (gnomAD); Canonical splice site variant in a gene or region of a gene for which loss of function is not a well-established mechanism of disease; Has not been previously published as pathogenic or benign to our knowledge

Labcorp Genetics (formerly Invitae), Labcorp
Classification: Uncertain significance for Neuroblastoma, susceptibility to, 3. Last evaluated: 2023-01-02. Review status: criteria provided, single submitter. Criteria: Invitae Variant Classification Sherloc (09022015). Collection method: clinical testing. Allele origin: germline.
Comment: In summary, the available evidence is currently insufficient to determine the role of this variant in disease. Therefore, it has been classified as a Variant of Uncertain Significance. Algorithms developed to predict the effect of sequence changes on RNA splicing suggest that this variant may disrupt the consensus splice site. ClinVar contains an entry for this variant (Variation ID: 997488). This variant has not been reported in the literature in individuals affected with ALK-related conditions. This variant is not present in population databases (gnomAD no frequency). This sequence change affects a donor splice site in intron 3 of the ALK gene. It is expected to disrupt RNA splicing. Variants that disrupt the donor or acceptor splice site typically lead to a loss of protein function (PMID: 16199547), however the current clinical and genetic evidence is not sufficient to establish whether loss-of-function variants in ALK cause disease.

Baylor Genetics
Classification: Uncertain significance for Neuroblastoma, susceptibility to, 3. Last evaluated: 2019-04-15. Review status: criteria provided, single submitter. Criteria: ACMG Guidelines, 2015. Collection method: clinical testing. Allele origin: unknown. Affected: yes. Study: CSER-TexasKidsCanSeq.
Comment: This variant was determined to be of uncertain significance according to ACMG Guidelines, 2015 [PMID:25741868].

Literature cited by the submitters: PubMed 16199547 (cited by Labcorp Genetics (formerly Invitae), Labcorp).